The following is an entry in ClinVar:

NM_002317.7(LOX):c.740+3A>G

Genes: LOX (lysyl oxidase; minus strand), SRFBP1 (serum response factor binding protein 1; plus strand). Cytogenetic location: 5q23.1.
Variant type: single nucleotide variant.
Coding change: c.740+3A>G on transcript NM_002317.7 (MANE Select); 3 bases into the intron after coding-DNA position 740, A replaced by G.
Molecular consequence: intron variant.
Genome position (GRCh38, 1-based): chr5:122,076,890, T>C on the plus strand (A>G on the coding strand, the complement: LOX is on the minus strand). VCF-style: chr5-122076890-T-C. GRCh37 (hg19) VCF-style: chr5-121412585-T-C.
Other names: c.50+3A>G (NM_001178102.2); c.-152+202A>G (NM_001317073.1).
Identifiers: ClinVar variation 4526373 (VCV004526373.1).
Genomic context (GRCh38, chr5:122,076,890, plus strand): 5'-AGGCACCAGAGCGCCCCCTGAAGGTAGACCGGGGAGCGGGGCCTCAGACATATCAGCCCG[T>C]ACCTGGCCAGACAGTTTTCCTCCGCCGCGCATCTCAGGTTGTACATGGACATCTTCTGCA-3'

ClinVar aggregate classification (germline): Uncertain significance (1 of 4 stars; one submission).

Submission:

Centre of Medical Genetics, University Hospital Muenster
Classification: Uncertain significance. Last evaluated: 2025-07-29. Review status: criteria provided, single submitter. Criteria: ACMG Guidelines, 2015. Collection method: clinical testing. Allele origin: unknown. Affected: yes. Observed: 1 variant allele, 1 heterozygote.
Comment: ACMG categories: PM2_sup